The following is an entry in ClinVar:

NM_000179.3(MSH6):c.2535dup (p.Glu846Ter)

Gene: MSH6 (mutS homolog 6; plus strand). Cytogenetic location: 2p16.3.
Variant type: Duplication.
Coding change: c.2535dup on transcript NM_000179.3 (MANE Select); coding-DNA position 2535, one base duplicated (T; older notation c.2535dupT).
Protein change: p.Glu846Ter; replaces glutamic acid 846 with a stop codon.
Molecular consequence: nonsense.
Genome position (GRCh38, 1-based): chr2:47,800,518, T duplicated. VCF-style (leftmost placement, unchanged base first): chr2-47800517-A-AT. GRCh37 (hg19) VCF-style: chr2-48027656-A-AT.
Other names: c.2145dup, p.Glu716Ter (NM_001281492.2); c.1629dup, p.Glu544Ter (NM_001281493.2, NM_001281494.2); c.2535dupT (NM_000179.2); short protein forms E544*, E716*, E846*.
Identifiers: ClinVar variation 89286 (VCV000089286.22), dbSNP rs587779241, ClinGen allele CA330455.
Genomic context (GRCh38, chr2:47,800,517, plus strand): 5'-TTCATAATGTTGGGTCTCCCCTGAAGAGTCAGAACCACCCAGACAGCAGGGCTATAATGT[A>AT]TGAAGAAACTACATACAGCAAGAAGAAGATTATTGATTTTCTTTCTGCTCTGGAAGGATT-3'

ClinVar aggregate classification (germline): Pathogenic. Review status: reviewed by expert panel (3 of 4 stars). 9 submissions from 9 submitters: Pathogenic (1). 8 of the submissions do not count toward it. Last evaluated 2013-09-05.

Conditions:
Hereditary nonpolyposis colorectal neoplasms. Identifiers: MedGen C0009405, MeSH D003123.
Lynch syndrome. Identifiers: Orphanet 144, MedGen C4552100, MONDO:0005835. Disease mechanism: loss of function.
Hereditary cancer-predisposing syndrome. Also called: Tumor predisposition; Hereditary Cancer Syndrome; Hereditary neoplastic syndrome; Neoplastic Syndromes, Hereditary. Identifiers: Orphanet 140162, MedGen C0027672, MeSH D009386, MONDO:0015356.
Lynch syndrome 5 (LYNCH5). Also called: Colorectal cancer, hereditary nonpolyposis, type 5; Hereditary non-polyposis colorectal cancer, type 5. Identifiers: Orphanet 144, MedGen C1833477, MONDO:0013710, OMIM 614350. Disease mechanism: loss of function.
Mismatch repair cancer syndrome 3. Identifiers: MedGen C5436807, MONDO:0030841, OMIM 619097.
Endometrial carcinoma. Also called: Endometrial carcinoma, somatic. Identifiers: MedGen C0476089, MONDO:0002447, OMIM 608089, HP:0012114.

Allele frequency attached by ClinVar (database versions not stated): gnomAD exomes below 0.00001.

Submissions (9):

International Society for Gastrointestinal Hereditary Tumours (InSiGHT)
Classification: Pathogenic for Lynch Syndrome. Last evaluated: 2013-09-05. Review status: reviewed by expert panel. Criteria: Guidelines v1.9. Collection method: research. Allele origin: germline.
Comment: Coding sequence variation resulting in a stop codon

Classified with v1.9 guidelines

Labcorp Genetics (formerly Invitae), Labcorp
Classification: Pathogenic for Hereditary nonpolyposis colorectal neoplasms. Last evaluated: 2025-12-23. Review status: criteria provided, single submitter. Criteria: Invitae Variant Classification Sherloc (09022015). Collection method: clinical testing. Allele origin: germline. Not counted in ClinVar's aggregate classification.
Comment: This sequence change creates a premature translational stop signal (p.Glu846*) in the MSH6 gene. It is expected to result in an absent or disrupted protein product. Loss-of-function variants in MSH6 are known to be pathogenic (PMID: 18269114, 24362816). This variant is not present in population databases (gnomAD no frequency). This premature translational stop signal has been observed in individual(s) with Lynch syndrome (PMID: 20487569). ClinVar contains an entry for this variant (Variation ID: 89286). For these reasons, this variant has been classified as Pathogenic.

Ambry Genetics
Classification: Pathogenic for Hereditary cancer-predisposing syndrome. Last evaluated: 2025-06-13. Review status: criteria provided, single submitter. Criteria: Ambry Variant Classification Scheme 2023. Collection method: clinical testing. Allele origin: germline. Not counted in ClinVar's aggregate classification.
Comment: The c.2535dupT pathogenic mutation, located in coding exon 4 of the MSH6 gene, results from a duplication of T at nucleotide position 2535, causing a translational frameshift with a predicted alternate stop codon (p.E846*). This mutation has been previously reported in a cohort of Australian Lynch syndrome families (Talseth-Palmer BA et al. Hered Cancer Clin Pract. 2010 May;8:5). This variant is considered to be rare based on population cohorts in the Genome Aggregation Database (gnomAD). In addition to the clinical data presented in the literature, this alteration is expected to result in loss of function by premature protein truncation or nonsense-mediated mRNA decay. As such, this alteration is interpreted as a disease-causing mutation.

All of Us Research Program, National Institutes of Health
Classification: Pathogenic for Lynch syndrome. Last evaluated: 2024-07-29. Review status: criteria provided, single submitter. Criteria: ACMG Guidelines, 2015. Collection method: clinical testing. Allele origin: germline. Inheritance: Autosomal dominant inheritance. Observed: 2 variant alleles, 2 heterozygotes. Not counted in ClinVar's aggregate classification.
Comment: This variant inserts 1 nucleotide in exon 4 of the MSH6 gene, creating a frameshift and premature translation stop signal. This variant is expected to result in an absent or non-functional protein product. This variant has been reported in an individual affected with Lynch syndrome in an Australian cohort of Lynch syndrome families (PMID: 20487569). This variant has not been identified in the general population by the Genome Aggregation Database (gnomAD). Loss of MSH6 function is a known mechanism of disease. Based on the available evidence, this variant is classified as Pathogenic.

This study involves interpretation of variants in research participants for the purpose of population health screening. Participant phenotype was not available at the time of variant classification. Additional details can be found in publication PMID: 35346344, PMCID: PMC8962531

Fulgent Genetics
Classification: Pathogenic for Endometrial carcinoma; Lynch syndrome 5; Mismatch repair cancer syndrome 3. Last evaluated: 2024-05-23. Review status: criteria provided, single submitter. Criteria: ACMG Guidelines, 2015. Collection method: clinical testing. Allele origin: germline. Not counted in ClinVar's aggregate classification.

Color Diagnostics, LLC DBA Color Health
Classification: Pathogenic for Hereditary cancer-predisposing syndrome. Last evaluated: 2024-05-14. Review status: criteria provided, single submitter. Criteria: ACMG Guidelines, 2015. Collection method: clinical testing. Allele origin: germline. Not counted in ClinVar's aggregate classification.
Comment: This variant inserts 1 nucleotide in exon 4 of the MSH6 gene, creating a frameshift and premature translation stop signal. This variant is expected to result in an absent or non-functional protein product. This variant has been reported in an individual affected with Lynch syndrome in an Australian cohort of Lynch syndrome families (PMID: 20487569). This variant has not been identified in the general population by the Genome Aggregation Database (gnomAD). Loss of MSH6 function is a known mechanism of disease. Based on the available evidence, this variant is classified as Pathogenic.

Myriad Genetics, Inc.
Classification: Pathogenic for Lynch syndrome 5. Last evaluated: 2023-03-29. Review status: criteria provided, single submitter. Criteria: Myriad Autosomal Dominant, Autosomal Recessive and X-Linked Classification Criteria (2023). Collection method: clinical testing. Allele origin: unknown. Not counted in ClinVar's aggregate classification.
Comment: This variant is considered pathogenic. This variant creates a termination codon and is predicted to result in premature protein truncation.

Women's Health and Genetics/Laboratory Corporation of America, LabCorp
Classification: Likely pathogenic for Hereditary nonpolyposis colon cancer. Last evaluated: 2017-06-26. Review status: criteria provided, single submitter. Criteria: LabCorp Variant Classification Summary - May 2015. Collection method: clinical testing. Allele origin: germline. Not counted in ClinVar's aggregate classification.
Comment: Variant summary: The MSH6 c.2535dupT (p.Glu846X) variant results in a premature termination codon, predicted to cause a truncated or absent MSH6 protein due to nonsense mediated decay, which are commonly known mechanisms for disease. Truncations downstream of this position have been classified as pathogenic by our laboratory (e.g. c.2731C>T, p.Arg911X; c.3013C>T, p.Arg1005X; c.3052_3053delCT, p.Leu1018fsX4). One in silico tool predicts a damaging outcome for this variant. This variant is absent in 120004 control chromosomes. The variant was reported in a family that fulfilled the Amsterdam II criteria, however two mutation-positive family members did not have cancer, one of which was above the age of onset. In addition, multiple clinical diagnostic laboratories/reputable databases classified this variant as pathogenic. Taken together, based on truncating nature of the variant, and the limited clinical data, this variant is classified as likely pathogenic.

Counsyl
Classification: Pathogenic for Lynch syndrome 5. Last evaluated: 2016-03-08. Review status: no assertion criteria provided. Collection method: clinical testing. Allele origin: unknown. Not counted in ClinVar's aggregate classification.

Literature cited by the submitters: PubMed 18269114 (cited by Labcorp Genetics (formerly Invitae), Labcorp); PubMed 24362816 (cited by Labcorp Genetics (formerly Invitae), Labcorp); PubMed 20487569 (cited by 6 submitters).